The following is an entry in ClinVar:

NM_001080414.4(CCDC88C):c.3541C>T (p.Gln1181Ter)

Gene: CCDC88C (coiled-coil and HOOK domain protein 88C; minus strand). Cytogenetic location: 14q32.11.
Variant type: single nucleotide variant.
Coding change: c.3541C>T on transcript NM_001080414.4 (MANE Select); coding-DNA position 3541, C replaced by T.
Protein change: p.Gln1181Ter; replaces glutamine 1181 with a stop codon.
Molecular consequence: nonsense. On other transcripts: non-coding transcript variant (2).
Genome position (GRCh38, 1-based): chr14:91,303,795, G>A on the plus strand (C>T on the coding strand, the complement: CCDC88C is on the minus strand). VCF-style: chr14-91303795-G-A. GRCh37 (hg19) VCF-style: chr14-91770139-G-A.
Other names: short protein forms Q1181*.
Identifiers: ClinVar variation 4769912 (VCV004769912.2).

ClinVar aggregate classification (germline): Pathogenic. Review status: criteria provided, multiple submitters, no conflicts (2 of 4 stars). 2 submissions from 2 submitters: Pathogenic (2). Last evaluated 2025-12-21.

Conditions:
Hydrocephalus, nonsyndromic, autosomal recessive 1 (HYC1). Also called: Congenital hydrocephalus 1; Hydrocephalus, nonsyndromic, autosomal recessive. Identifiers: Orphanet 2185, MedGen C3887608, MONDO:0009360, OMIM 236600.

Submissions (2):

Labcorp Genetics (formerly Invitae), Labcorp
Classification: Pathogenic. Last evaluated: 2025-12-21. Review status: criteria provided, single submitter. Criteria: Invitae Variant Classification Sherloc (09022015). Collection method: clinical testing. Allele origin: germline.
Comment: This sequence change creates a premature translational stop signal (p.Gln1181*) in the CCDC88C gene. It is expected to result in an absent or disrupted protein product. Loss-of-function variants in CCDC88C are known to be pathogenic (PMID: 23042809, 29225145). The frequency data for this variant in the population databases is considered unreliable, as metrics indicate poor data quality at this position in the gnomAD database. This variant has not been reported in the literature in individuals affected with CCDC88C-related conditions. For these reasons, this variant has been classified as Pathogenic.

Myriad Genetics, Inc.
Classification: Pathogenic for Hydrocephalus, nonsyndromic, autosomal recessive 1. Last evaluated: 2024-09-04. Review status: criteria provided, single submitter. Criteria: Myriad Autosomal Dominant, Autosomal Recessive and X-Linked Classification Criteria (2023). Collection method: clinical testing. Allele origin: unknown.
Comment: NM_001080414.3(CCDC88C):c.3541C>T(Q1181*) is expected to be pathogenic in the context of congenital hydrocephalus, CCDC88C-related. This variant is predicted to lead to an abnormal or absent protein product due to the creation of a premature termination codon in CCDC88C, a gene where loss-of-function variants are known to be pathogenic. Please note: this variant was assessed in the context of healthy population screening.

Literature cited by the submitters: PubMed 23042809 (cited by Labcorp Genetics (formerly Invitae), Labcorp); PubMed 29225145 (cited by Labcorp Genetics (formerly Invitae), Labcorp).